The following is an entry in ClinVar:

NM_002382.5(MAX):c.353C>G (p.Ser118Ter)

Gene: MAX (MYC associated transcriptional regulator X; minus strand). Cytogenetic location: 14q23.3.
Variant type: single nucleotide variant.
Coding change: c.353C>G on transcript NM_002382.5 (MANE Select); coding-DNA position 353, C replaced by G.
Protein change: p.Ser118Ter; replaces serine 118 with a stop codon.
Molecular consequence: nonsense. On other transcripts: 3 prime UTR variant (1), intron variant (2).
Genome position (GRCh38, 1-based): chr14:65,076,606, G>C on the plus strand (C>G on the coding strand, the complement: MAX is on the minus strand). VCF-style: chr14-65076606-G-C. GRCh37 (hg19) VCF-style: chr14-65543324-G-C.
Other names: c.164C>G, p.Ser55Ter (NM_001320415.2, NM_001407105.1, NM_001407106.1 and 1 more transcripts); c.353C>G, p.Ser118Ter (NM_001407094.1); c.326C>G, p.Ser109Ter (NM_001407095.1, NM_145112.3); c.*126C>G (NM_001407096.1, NM_001407099.1, NM_001407102.1 and 2 more transcripts); c.*142C>G (NM_001407097.1, NM_001407100.1, NM_001407101.1 and 4 more transcripts); c.245C>G, p.Ser82Ter (NM_001407098.1); c.152C>G, p.Ser51Ter (NM_001407111.1, NM_001407112.1); c.144+17102C>G (NM_001271069.2); and 1 more; short protein forms S82*, S109*, S51*, S118*, S55*.
Identifiers: ClinVar variation 2027779 (VCV002027779.4), dbSNP rs2063063803, ClinGen allele CA390031811.
Genomic context (GRCh38, chr14:65,076,606, plus strand): 5'-GAGCCCCCATCGAAGGCAGAGATGGTGCTGCCCTTGGCGTTGGTGTAGAGGCTGTTGTCT[G>C]AGGAGGGGTAGTTGGTCTGCAGTTGGGCACTTGACCTCGCCTTCTCCAGTGCACGGACTA-3'

ClinVar aggregate classification (germline): Uncertain significance (1 of 4 stars; one submission).

Conditions:
Hereditary pheochromocytoma and paraganglioma. Also called: Hereditary paragangliomas and pheochromocytomas; Hereditary Paraganglioma-Pheochromocytoma Syndromes; Hereditary pheochromocytoma-paraganglioma. Identifiers: Orphanet 29072, MedGen C4274332, MONDO:0017366.

Submission:

Labcorp Genetics (formerly Invitae), Labcorp
Classification: Uncertain significance for Hereditary pheochromocytoma and paraganglioma. Last evaluated: 2022-09-06. Review status: criteria provided, single submitter. Criteria: Invitae Variant Classification Sherloc (09022015). Collection method: clinical testing. Allele origin: germline.
Comment: This sequence change creates a premature translational stop signal (p.Ser118*) in the MAX gene. While this is not anticipated to result in nonsense mediated decay, it is expected to disrupt the last 43 amino acid(s) of the MAX protein. In summary, the available evidence is currently insufficient to determine the role of this variant in disease. Therefore, it has been classified as a Variant of Uncertain Significance. Experimental studies and prediction algorithms are not available or were not evaluated, and the functional significance of this variant is currently unknown. This variant has not been reported in the literature in individuals affected with MAX-related conditions. This variant is not present in population databases (gnomAD no frequency).